The following is an entry in ClinVar:

ClinVar aggregate classification (germline): Pathogenic (1 of 4 stars; one submission).

Conditions:
Early-onset coronary artery disease. Identifiers: MedGen C4229399.

Submission:

Women's Health and Genetics/Laboratory Corporation of America, LabCorp
Classification: Pathogenic for Early-onset coronary artery disease. Last evaluated: 2026-04-13. Review status: criteria provided, single submitter. Criteria: LabCorp Variant Classification Summary - May 2015. Collection method: clinical testing. Allele origin: germline.
Comment: Variant summary: The variant involves the deletion of exons 1-11 in the ABCG5 gene. A presumed nomenclature of c.(?_-161)_(1649+1_1650-1)del has been designated for the purposes of this classification. This deletion includes the entire coding sequence of the gene. As the exact proximal and distal breakpoints are unknown, it may extend beyond the annotated region of the gene to include other flanking genes. Loss-of-function variants in this gene are known to be pathogenic. The variant was absent in 20772 control chromosomes. c.(?_-161)_(1649+1_1650-1)del has been observed in at-least one individual affected with sitosterolemia (example, Xia_2022). These report(s) do not provide unequivocal conclusions about association of the variant with Early Onset Coronary Artery Disease. To our knowledge, no experimental evidence demonstrating an impact on protein function has been reported. The following publication has been ascertained in the context of this evaluation (PMID: 34969652). No submitters have cited clinical-significance assessments for this variant to ClinVar. Based on the evidence outlined above, the variant was classified as pathogenic.

Literature cited by the submitters: PubMed 34969652.

NC_000002.11:g.(44041729_44047053)_(44065979_?)del

Gene: ABCG5 (ATP binding cassette subfamily G member 5; minus strand). Cytogenetic location: 2p21.
Variant type: Deletion.
Identifiers: ClinVar variation 4848646 (VCV004848646.1).